The following is an entry in ClinVar:

NM_001099922.3(ALG13):c.586C>T (p.Pro196Ser)

Gene: ALG13 (ALG13 UDP-N-acetylglucosaminyltransferase subunit; plus strand). Cytogenetic location: Xq23.
Variant type: single nucleotide variant.
Coding change: c.586C>T on transcript NM_001099922.3 (MANE Select); coding-DNA position 586, C replaced by T.
Protein change: p.Pro196Ser; replaces proline 196 with serine.
Molecular consequence: missense variant. On other transcripts: non-coding transcript variant (1).
Genome position (GRCh38, 1-based): chrX:111,708,229, C>T. VCF-style: chrX-111708229-C-T. GRCh37 (hg19) VCF-style: chrX-110951457-C-T.
Other names: c.274C>T, p.Pro92Ser (NM_001257230.2, NM_001257234.2, NM_001257237.2 and 1 more transcripts); c.352C>T, p.Pro118Ser (NM_001257231.2); c.586C>T, p.Pro196Ser (NM_001324292.2); short protein forms P118S, P196S, P92S.
Identifiers: ClinVar variation 1710754 (VCV001710754.2), dbSNP rs2525563365, ClinGen allele CA414249620.

ClinVar aggregate classification (germline): Uncertain significance (1 of 4 stars; one submission).

Submission:

GeneDx
Classification: Uncertain significance. Last evaluated: 2022-04-15. Review status: criteria provided, single submitter. Criteria: GeneDx Variant Classification Process June 2021. Collection method: clinical testing. Allele origin: germline. Affected: yes.
Comment: Not observed at significant frequency in large population cohorts (gnomAD); In silico analysis supports that this missense variant does not alter protein structure/function; Has not been previously published as pathogenic or benign to our knowledge